The following is an entry in ClinVar:

ClinVar aggregate classification (germline): Uncertain significance (1 of 4 stars; one submission).

Conditions:
Cardiovascular phenotype. Identifiers: MedGen CN230736.

gnomAD v4.1: 14 of 1,612,018 alleles (0.00087%); highest among the groups gnomAD compares: South Asian, 0.0011%; no homozygotes.

Submission:

Ambry Genetics
Classification: Uncertain significance for Cardiovascular phenotype. Last evaluated: 2024-05-12. Review status: criteria provided, single submitter. Criteria: Ambry Variant Classification Scheme 2023. Collection method: clinical testing. Allele origin: germline.
Comment: The p.G2264S variant (also known as c.6790G>A), located in coding exon 18 of the TNXB gene, results from a G to A substitution at nucleotide position 6790. The glycine at codon 2264 is replaced by serine, an amino acid with similar properties. This amino acid position is conserved. In addition, the in silico prediction for this alteration is inconclusive. Based on the available evidence, the clinical significance of this variant remains unclear.

NM_001365276.2(TNXB):c.6790G>A (p.Gly2264Ser)

Gene: TNXB (tenascin XB; minus strand). Cytogenetic location: 6p21.33.
Variant type: single nucleotide variant.
Coding change: c.6790G>A on transcript NM_001365276.2 (MANE Select); coding-DNA position 6790, G replaced by A.
Protein change: p.Gly2264Ser; replaces glycine 2264 with serine.
Molecular consequence: missense variant.
Genome position (GRCh38, 1-based): chr6:32,064,872, C>T on the plus strand (G>A on the coding strand, the complement: TNXB is on the minus strand). VCF-style: chr6-32064872-C-T. GRCh37 (hg19) VCF-style: chr6-32032649-C-T.
Other names: c.6790G>A, p.Gly2264Ser (NM_019105.8); short protein forms G2264S.
Identifiers: ClinVar variation 3327843 (VCV003327843.1).
Genomic context (GRCh38, chr6:32,064,872, plus strand): 5'-CACACTCACCAGTTAAACCAACAGCAGACACGGGGCCCACGCGCTGGCCACCGTGGAAGC[C>T]GTACAGGTTCATCTTGTACTTGTGGTCTGGCTCCAGGCCCGAGATGGTGACCCCATCCTC-3'
Protein context (NP_001352205.1, residues 2254-2274): PDHKYKMNLY[Gly2264Ser]FHGGQRVGPV